The following is an entry in ClinVar:

ClinVar aggregate classification (germline): Pathogenic (1 of 4 stars; one submission).

Conditions:
3-Methylglutaconic aciduria type 2 (BTHS). Also called: CARDIOSKELETAL MYOPATHY WITH NEUTROPENIA AND ABNORMAL MITOCHONDRIA; Barth syndrome. Identifiers: Orphanet 111, MedGen C0574083, MONDO:0010543, OMIM 302060.

Submission:

Labcorp Genetics (formerly Invitae), Labcorp
Classification: Pathogenic for 3-Methylglutaconic aciduria type 2. Last evaluated: 2023-08-30. Review status: criteria provided, single submitter. Criteria: Invitae Variant Classification Sherloc (09022015). Collection method: clinical testing. Allele origin: germline.
Comment: For these reasons, this variant has been classified as Pathogenic. Algorithms developed to predict the effect of sequence changes on RNA splicing suggest that this variant may disrupt the consensus splice site. This premature translational stop signal has been observed in individual(s) with clinical features of TAZ-related disorders (PMID: 11896212). This variant is not present in population databases (gnomAD no frequency). This sequence change creates a premature translational stop signal (p.Glu188*) in the TAZ gene. It is expected to result in an absent or disrupted protein product. Loss-of-function variants in TAZ are known to be pathogenic (PMID: 16427346, 22382802, 23409742).

Literature cited by the submitters: PubMed 11896212; PubMed 16427346; PubMed 22382802; PubMed 23409742.

NM_000116.5(TAFAZZIN):c.562G>T (p.Glu188Ter)

Gene: TAFAZZIN (tafazzin, phospholipid-lysophospholipid transacylase; plus strand). Cytogenetic location: Xq28.
Variant type: single nucleotide variant.
Coding change: c.562G>T on transcript NM_000116.5 (MANE Select); coding-DNA position 562, G replaced by T.
Protein change: p.Glu188Ter; replaces glutamic acid 188 with a stop codon.
Molecular consequence: nonsense. On other transcripts: intron variant (3), non-coding transcript variant (1).
Genome position (GRCh38, 1-based): chrX:154,419,725, G>T. VCF-style: chrX-154419725-G-T. GRCh37 (hg19) VCF-style: chrX-153648064-G-T.
Other names: c.451+102G>T (NM_181313.4); c.526G>T, p.Glu176Ter (NM_001410698.1); c.472G>T, p.Glu158Ter (NM_181311.4); c.595+102G>T (NM_001303465.2); c.541+102G>T (NM_181312.4); short protein forms E176*, E188*, E158*.
Identifiers: ClinVar variation 2737444 (VCV002737444.3), dbSNP rs375663114, ClinGen allele CA415183908.
Genomic context (GRCh38, chrX:154,419,725, plus strand): 5'-GGATGGGCTCCCAAGCCTCGCCTCTGTGCTCTCTCACCAGGGAAAGTGAACATGAGTTCC[G>T]AATTCCTGCGTTTCAAGTGGGGTAAGGGCTGCTGGTCTCTGGCCACAGCCATCCTCCCGG-3'